The following is an entry in ClinVar:

NM_001849.4(COL6A2):c.569T>C (p.Val190Ala)

Gene: COL6A2 (collagen type VI alpha 2 chain; plus strand). Cytogenetic location: 21q22.3.
Variant type: single nucleotide variant.
Coding change: c.569T>C on transcript NM_001849.4 (MANE Select); coding-DNA position 569, T replaced by C.
Protein change: p.Val190Ala; replaces valine 190 with alanine.
Molecular consequence: missense variant.
Genome position (GRCh38, 1-based): chr21:46,112,432, T>C. VCF-style: chr21-46112432-T-C. GRCh37 (hg19) VCF-style: chr21-47532346-T-C.
Other names: c.569T>C, p.Val190Ala (NM_058174.3, NM_058175.3); short protein forms V190A.
Identifiers: ClinVar variation 4744427 (VCV004744427.1).

ClinVar aggregate classification (germline): Uncertain significance (1 of 4 stars; one submission).

Conditions:
Bethlem myopathy 1A. Also called: MYOPATHY, BENIGN CONGENITAL, WITH CONTRACTURES; Bethlem myopathy 1; Bethlem Muscular Dystrophy. Identifiers: Orphanet 610, MedGen CN029274, MONDO:0024530, OMIM 158810.

Submission:

Labcorp Genetics (formerly Invitae), Labcorp
Classification: Uncertain significance for Bethlem myopathy 1A. Last evaluated: 2025-06-07. Review status: criteria provided, single submitter. Criteria: Invitae Variant Classification Sherloc (09022015). Collection method: clinical testing. Allele origin: germline.
Comment: This sequence change replaces valine, which is neutral and non-polar, with alanine, which is neutral and non-polar, at codon 190 of the COL6A2 protein (p.Val190Ala). This variant is not present in population databases (gnomAD no frequency). This variant has not been reported in the literature in individuals affected with COL6A2-related conditions. Invitae Evidence Modeling of protein sequence and biophysical properties (such as structural, functional, and spatial information, amino acid conservation, physicochemical variation, residue mobility, and thermodynamic stability) indicates that this missense variant is expected to disrupt COL6A2 protein function with a positive predictive value of 80%. In summary, the available evidence is currently insufficient to determine the role of this variant in disease. Therefore, it has been classified as a Variant of Uncertain Significance.